The following is an entry in ClinVar:

ClinVar aggregate classification (germline): Uncertain significance (1 of 4 stars; one submission).

Conditions:
Ethylmalonic encephalopathy (EE). Also called: EPEMA syndrome; Encephalopathy, petechiae, and ethylmalonic aciduria; Syndrome of encephalopathy, petechiae, and ethylmalonic aciduria. Identifiers: Orphanet 51188, MedGen C1865349, MONDO:0011229, OMIM 602473. Disease mechanism: loss of function.

Submission:

Labcorp Genetics (formerly Invitae), Labcorp
Classification: Uncertain significance for Ethylmalonic encephalopathy. Last evaluated: 2022-04-25. Review status: criteria provided, single submitter. Criteria: Invitae Variant Classification Sherloc (09022015). Collection method: clinical testing. Allele origin: germline.
Comment: This variant occurs in a non-coding region of the ETHE1 gene. It does not change the encoded amino acid sequence of the ETHE1 protein. Information on the frequency of this variant in the gnomAD database is not available, as this variant may be reported differently in the database. This variant has not been reported in the literature in individuals affected with ETHE1-related conditions. Experimental studies and prediction algorithms are not available or were not evaluated, and the functional significance of this variant is currently unknown. In summary, the available evidence is currently insufficient to determine the role of this variant in disease. Therefore, it has been classified as a Variant of Uncertain Significance.

NC_000019.10:g.43527263_43527264delinsAA

Genes: ETHE1 (ETHE1 persulfide dioxygenase; minus strand), LOC130064595 (ATAC-STARR-seq lymphoblastoid silent region 10721; plus strand). Cytogenetic location: 19q13.31.
Variant type: Indel.
Genome position: GRCh38 VCF-style: chr19-43527263-GC-AA. GRCh37 (hg19) VCF-style: chr19-44031415-GC-AA.
Identifiers: ClinVar variation 2130689 (VCV002130689.2), dbSNP rs2513632085, ClinGen allele CA2580097372.